The following is an entry in ClinVar:

NM_000135.4(FANCA):c.1482C>T (p.Leu494=)

Gene: FANCA (FA complementation group A; minus strand). Cytogenetic location: 16q24.3.
Variant type: single nucleotide variant.
Coding change: c.1482C>T on transcript NM_000135.4 (MANE Select); coding-DNA position 1482, C replaced by T.
Protein change: p.Leu494=; no amino-acid change (leucine 494 retained).
Molecular consequence: synonymous variant.
Genome position (GRCh38, 1-based): chr16:89,783,091, G>A on the plus strand (C>T on the coding strand, the complement: FANCA is on the minus strand). VCF-style: chr16-89783091-G-A. GRCh37 (hg19) VCF-style: chr16-89849499-G-A.
Other names: c.1482C>T, p.Leu494= (NM_001286167.3).
Identifiers: ClinVar variation 2194968 (VCV002194968.6), dbSNP rs1431996844, ClinGen allele CA497190236.

ClinVar aggregate classification (germline): Likely benign. Review status: criteria provided, multiple submitters, no conflicts (2 of 4 stars). 3 submissions from 3 submitters: Likely benign (3). Last evaluated 2025-12-09.

Conditions:
Inborn genetic diseases. Identifiers: MedGen C0950123, MeSH D030342.
FANCA-related disorder. Also called: FANCA-related condition.
Fanconi anemia (FA). Also called: Fanconi's anemia. Identifiers: Orphanet 84, MedGen C0015625, MeSH D005199, MONDO:0019391.

gnomAD v4.1: 1 of 1,612,904 alleles (0.000062%); highest among the groups gnomAD compares: Admixed American, 0.0017%; no homozygotes.

Submissions (3):

Ambry Genetics
Classification: Likely benign for Inborn genetic diseases. Last evaluated: 2025-12-09. Review status: criteria provided, single submitter. Criteria: Ambry Variant Classification Scheme 2023. Collection method: clinical testing. Allele origin: germline.

PreventionGenetics, part of Exact Sciences
Classification: Likely benign for FANCA-related condition. Last evaluated: 2025-05-01. Review status: criteria provided, single submitter. Criteria: ACMG Guidelines, 2015. Collection method: clinical testing. Allele origin: germline.
Comment: This variant is classified as likely benign based on ACMG/AMP sequence variant interpretation guidelines (Richards et al. 2015 PMID: 25741868, with internal and published modifications).

Labcorp Genetics (formerly Invitae), Labcorp
Classification: Likely benign for Fanconi anemia. Last evaluated: 2023-04-08. Review status: criteria provided, single submitter. Criteria: Invitae Variant Classification Sherloc (09022015). Collection method: clinical testing. Allele origin: germline.